The following is an entry in ClinVar:

NM_000179.3(MSH6):c.191C>T (p.Ala64Val)

Gene: MSH6 (mutS homolog 6; plus strand). Cytogenetic location: 2p16.3.
Variant type: single nucleotide variant.
Coding change: c.191C>T on transcript NM_000179.3 (MANE Select); coding-DNA position 191, C replaced by T.
Protein change: p.Ala64Val; replaces alanine 64 with valine.
Molecular consequence: missense variant. On other transcripts: 5 prime UTR variant (1).
Genome position (GRCh38, 1-based): chr2:47,783,424, C>T. VCF-style: chr2-47783424-C-T. GRCh37 (hg19) VCF-style: chr2-48010563-C-T.
Other names: c.191C>T, p.Ala64Val (NM_001281492.2); c.-546C>T (NM_001281493.2); short protein forms A64V.
Identifiers: ClinVar variation 1362551 (VCV001362551.8), dbSNP rs1553408348, ClinGen allele CA346735025.

ClinVar aggregate classification (germline): Uncertain significance (1 of 4 stars; one submission).

Conditions:
Hereditary nonpolyposis colorectal neoplasms. Identifiers: MedGen C0009405, MeSH D003123.

Allele frequency attached by ClinVar (database versions not stated): TOPMed below 0.00001.

Submission:

Labcorp Genetics (formerly Invitae), Labcorp
Classification: Uncertain significance for Hereditary nonpolyposis colorectal neoplasms. Last evaluated: 2023-01-24. Review status: criteria provided, single submitter. Criteria: Invitae Variant Classification Sherloc (09022015). Collection method: clinical testing. Allele origin: germline.
Comment: In summary, the available evidence is currently insufficient to determine the role of this variant in disease. Therefore, it has been classified as a Variant of Uncertain Significance. Advanced modeling of protein sequence and biophysical properties (such as structural, functional, and spatial information, amino acid conservation, physicochemical variation, residue mobility, and thermodynamic stability) performed at Invitae indicates that this missense variant is not expected to disrupt MSH6 protein function. ClinVar contains an entry for this variant (Variation ID: 1362551). This variant has not been reported in the literature in individuals affected with MSH6-related conditions. This variant is not present in population databases (gnomAD no frequency). This sequence change replaces alanine, which is neutral and non-polar, with valine, which is neutral and non-polar, at codon 64 of the MSH6 protein (p.Ala64Val).